The following is an entry in ClinVar:

ClinVar aggregate classification (germline): Uncertain significance. Review status: criteria provided, multiple submitters, no conflicts (2 of 4 stars). 2 submissions from 2 submitters: Uncertain significance (2). Last evaluated 2026-07-21.

Conditions:
SPNS2-related disorder. Also called: SPNS2-related condition.

Allele frequency attached by ClinVar (database versions not stated): ExAC 0.00005; gnomAD 0.00012; TOPMed 0.00013; ESP Exome Variant Server 0.00029.
gnomAD v4.1: 121 of 1,612,066 alleles (0.0075%); highest among the groups gnomAD compares: African/African-American, 0.023%; no homozygotes.

Submissions (2):

PreventionGenetics, part of Exact Sciences
Classification: Uncertain significance for SPNS2-related condition. Last evaluated: 2026-07-21. Review status: criteria provided, single submitter. Criteria: ACMG Guidelines, 2015. Collection method: clinical testing. Allele origin: germline.
Comment: The SPNS2 c.946G>A variant is predicted to result in the amino acid substitution p.Val316Ile. To our knowledge, this variant has not been reported in the literature. This variant is reported in 0.033% of alleles in individuals of African descent in gnomAD. At this time, the clinical significance of this variant is uncertain due to the absence of conclusive functional and genetic evidence.

Ambry Genetics
Classification: Uncertain significance. Last evaluated: 2025-11-11. Review status: criteria provided, single submitter. Criteria: Ambry Variant Classification Scheme 2023. Collection method: clinical testing. Allele origin: germline.

NM_001124758.3(SPNS2):c.946G>A (p.Val316Ile)

Gene: SPNS2 (SPNS lysolipid transporter 2, sphingosine-1-phosphate; plus strand). Cytogenetic location: 17p13.2.
Variant type: single nucleotide variant.
Coding change: c.946G>A on transcript NM_001124758.3 (MANE Select); coding-DNA position 946, G replaced by A.
Protein change: p.Val316Ile; replaces valine 316 with isoleucine.
Molecular consequence: missense variant.
Genome position (GRCh38, 1-based): chr17:4,532,987, G>A. VCF-style: chr17-4532987-G-A. GRCh37 (hg19) VCF-style: chr17-4436282-G-A.
Other names: c.946G>A (NM_001124758.2); short protein forms V316I.
Identifiers: ClinVar variation 2379185 (VCV002379185.4), dbSNP rs201723018, ClinGen allele CA8303101.